The following is an entry in ClinVar:

NM_004990.4(MARS1):c.631G>A (p.Ala211Thr)

Gene: MARS1 (methionyl-tRNA synthetase 1; plus strand). Cytogenetic location: 12q13.3.
Variant type: single nucleotide variant.
Coding change: c.631G>A on transcript NM_004990.4 (MANE Select); coding-DNA position 631, G replaced by A.
Protein change: p.Ala211Thr; replaces alanine 211 with threonine.
Molecular consequence: missense variant.
Genome position (GRCh38, 1-based): chr12:57,490,347, G>A. VCF-style: chr12-57490347-G-A. GRCh37 (hg19) VCF-style: chr12-57884130-G-A.
Other names: short protein forms A211T.
Identifiers: ClinVar variation 618206 (VCV000618206.17), dbSNP rs147034935, ClinGen allele CA6650227.
Genomic context (GRCh38, chr12:57,490,347, plus strand): 5'-AAACAGCAAGGTGTCCTGGCTCTCCGGCCTTACCTCCAAAAGCAGCCCCAGCCCAGCCCC[G>A]CTGAGGGAAGGGCTGTCACCAATGAGCCTGAGGTTTGGAATAGGGCAGAGCCTTGGGGCC-3'
Protein context (NP_004981.2, residues 201-221): YLQKQPQPSP[Ala211Thr]EGRAVTNEPE

ClinVar aggregate classification (germline): Uncertain significance. Review status: criteria provided, multiple submitters, no conflicts (2 of 4 stars). 5 submissions from 5 submitters: Uncertain significance (5). Last evaluated 2025-04-29.

Conditions:
MARS1-related disorder. Also called: MARS1-related condition.
Severe early-onset pulmonary alveolar proteinosis due to MARS deficiency. Also called: PULMONARY ALVEOLAR PROTEINOSIS, REUNION ISLAND; Interstitial lung and liver disease. Identifiers: Orphanet 440427, MedGen C4225400, MONDO:0014206, OMIM 615486.
Charcot-Marie-Tooth disease axonal type 2U. Also called: CHARCOT-MARIE-TOOTH NEUROPATHY, TYPE 2U; CHARCOT-MARIE-TOOTH DISEASE, AXONAL, AUTOSOMAL DOMINANT, TYPE 2U. Identifiers: Orphanet 397735, MedGen C4084821, MONDO:0014566, OMIM 616280.

Allele frequency attached by ClinVar (database versions not stated): gnomAD 0.00001 and 0.00002; gnomAD exomes 0.00004 and 0.00008; TOPMed 0.00005; ExAC 0.00006; 1000 Genomes Project 30x 0.00016; 1000 Genomes Project 0.00020.
gnomAD v4.1: 67 of 1,612,636 alleles (0.0042%); highest among the groups gnomAD compares: Admixed American, 0.03%; no homozygotes.

Submissions (5):

Labcorp Genetics (formerly Invitae), Labcorp
Classification: Uncertain significance for Charcot-Marie-Tooth disease axonal type 2U; Severe early-onset pulmonary alveolar proteinosis due to MARS deficiency. Last evaluated: 2025-04-29. Review status: criteria provided, single submitter. Criteria: Invitae Variant Classification Sherloc (09022015). Collection method: clinical testing. Allele origin: germline.
Comment: This sequence change replaces alanine, which is neutral and non-polar, with threonine, which is neutral and polar, at codon 211 of the MARS protein (p.Ala211Thr). This variant is present in population databases (rs147034935, gnomAD 0.05%). This variant has not been reported in the literature in individuals affected with MARS-related conditions. ClinVar contains an entry for this variant (Variation ID: 618206). An algorithm developed to predict the effect of missense changes on protein structure and function outputs the following: PolyPhen-2: "Benign". The threonine amino acid residue is found in multiple mammalian species, which suggests that this missense change does not adversely affect protein function. In summary, the available evidence is currently insufficient to determine the role of this variant in disease. Therefore, it has been classified as a Variant of Uncertain Significance.

PreventionGenetics, part of Exact Sciences
Classification: Uncertain significance for MARS1-related condition. Last evaluated: 2025-03-09. Review status: criteria provided, single submitter. Criteria: ACMG Guidelines, 2015. Collection method: clinical testing. Allele origin: germline.
Comment: The MARS1 c.631G>A variant is predicted to result in the amino acid substitution p.Ala211Thr. To our knowledge, this variant has not been reported in the literature. This variant is reported in 0.048% of alleles in individuals of Latino descent in gnomAD. At this time, the clinical significance of this variant is uncertain due to the absence of conclusive functional and genetic evidence.

Ambry Genetics
Classification: Uncertain significance. Last evaluated: 2023-01-17. Review status: criteria provided, single submitter. Criteria: Ambry Variant Classification Scheme 2023. Collection method: clinical testing. Allele origin: germline.

Johns Hopkins Genomics, Johns Hopkins University
Classification: Uncertain significance for Severe early-onset pulmonary alveolar proteinosis due to MARS deficiency. Last evaluated: 2020-06-18. Review status: criteria provided, single submitter. Criteria: ACMG Guidelines, 2015. Collection method: clinical testing. Allele origin: germline.
Comment: MARS1 c.631G>A (rs147034935) is rare (<0.1%) in a large population dataset (gnomAD: 23/282236 total alleles; 0.008%; no homozygotes) and has not been reported in the literature, to our knowledge. This variant has been reported in ClinVar. Three bioinformatic tools queried predict that this substitution would be tolerated, and the alanine residue at this position is poorly evolutionarily conserved across the species assessed. Due to insufficient evidence, we consider the clinical significance of c.631G>A to be uncertain at this time.

ARUP Laboratories, Molecular Genetics and Genomics, ARUP Laboratories
Classification: Uncertain significance. Last evaluated: 2018-06-12. Review status: criteria provided, single submitter. Criteria: ARUP Molecular Germline Variant Investigation Process. Collection method: clinical testing. Allele origin: germline.
Comment: The MARS c.631G>A; p.Ala211Thr variant (rs147034935), to our knowledge, is not reported in the medical literature or gene specific databases. This variant is found in the general population with an overall allele frequency of 0.008 % (22 / 276,980 alleles) in the Genome Aggregation Database. The alanine at codon 211 is weakly conserved and computational analyses (SIFT, PolyPhen-2) predict that this variant is tolerated. Due to limited information, the clinical significance of the p.Ala211Thr variant is uncertain at this time.